The following is an entry in ClinVar:

NM_005097.4(LGI1):c.347A>G (p.His116Arg)

Gene: LGI1 (leucine rich glioma inactivated 1; plus strand). Cytogenetic location: 10q23.33.
Variant type: single nucleotide variant.
Coding change: c.347A>G on transcript NM_005097.4 (MANE Select); coding-DNA position 347, A replaced by G.
Protein change: p.His116Arg; replaces histidine 116 with arginine.
Molecular consequence: missense variant. On other transcripts: intron variant (1).
Genome position (GRCh38, 1-based): chr10:93,777,438, A>G. VCF-style: chr10-93777438-A-G. GRCh37 (hg19) VCF-style: chr10-95537195-A-G.
Other names: c.347A>G, p.His116Arg (NM_001308275.2); c.288-12661A>G (NM_001308276.2); short protein forms H116R.
Identifiers: ClinVar variation 2136084 (VCV002136084.1), dbSNP rs2059804726, ClinGen allele CA377620834.

ClinVar aggregate classification (germline): Uncertain significance (1 of 4 stars; one submission).

Allele frequency attached by ClinVar (database versions not stated): TOPMed 0.00001.

Submission:

GeneDx
Classification: Uncertain significance. Last evaluated: 2022-07-20. Review status: criteria provided, single submitter. Criteria: GeneDx Variant Classification Process June 2021. Collection method: clinical testing. Allele origin: germline. Affected: yes.
Comment: Not observed at significant frequency in large population cohorts (gnomAD); In silico analysis supports that this missense variant has a deleterious effect on protein structure/function; Has not been previously published as pathogenic or benign to our knowledge